The following is an entry in ClinVar:

ClinVar aggregate classification (germline): Uncertain significance (1 of 4 stars; one submission).

Conditions:
Immunodeficiency. Identifiers: MedGen C0021051, MONDO:0021094, HP:0002721.

Submission:

Labcorp Genetics (formerly Invitae), Labcorp
Classification: Uncertain significance for Immunodeficiency. Last evaluated: 2024-12-16. Review status: criteria provided, single submitter. Criteria: Invitae Variant Classification Sherloc (09022015). Collection method: clinical testing. Allele origin: germline.
Comment: This sequence change replaces serine, which is neutral and polar, with alanine, which is neutral and non-polar, at codon 991 of the NFAT5 protein (p.Ser991Ala). This variant is not present in population databases (gnomAD no frequency). This variant has not been reported in the literature in individuals affected with NFAT5-related conditions. ClinVar contains an entry for this variant (Variation ID: 1522222). An algorithm developed to predict the effect of missense changes on protein structure and function (PolyPhen-2) suggests that this variant is likely to be tolerated. In summary, the available evidence is currently insufficient to determine the role of this variant in disease. Therefore, it has been classified as a Variant of Uncertain Significance.

NM_138713.4(NFAT5):c.3253T>G (p.Ser1085Ala)

Gene: NFAT5 (nuclear factor of activated T cells 5; plus strand). Cytogenetic location: 16q22.1.
Variant type: single nucleotide variant.
Coding change: c.3253T>G on transcript NM_138713.4 (MANE Select); coding-DNA position 3253, T replaced by G.
Protein change: p.Ser1085Ala; replaces serine 1085 with alanine.
Molecular consequence: missense variant.
Genome position (GRCh38, 1-based): chr16:69,693,078, T>G. VCF-style: chr16-69693078-T-G. GRCh37 (hg19) VCF-style: chr16-69726981-T-G.
Other names: c.3250T>G, p.Ser1084Ala (NM_001113178.3); c.2578T>G, p.Ser860Ala (NM_001367709.1); c.3199T>G, p.Ser1067Ala (NM_006599.4); c.2971T>G, p.Ser991Ala (NM_138714.4, NM_173214.3, NM_173215.3); short protein forms S1067A, S1084A, S991A, S860A, S1085A.
Identifiers: ClinVar variation 1522222 (VCV001522222.8), dbSNP rs2151721303, ClinGen allele CA396512608.